The following is an entry in ClinVar:

ClinVar aggregate classification (germline): Conflicting classifications of pathogenicity. Review status: criteria provided, conflicting classifications (1 of 4 stars). 2 submissions from 2 submitters: Likely pathogenic (1); Uncertain significance (1). Last evaluated 2023-03-10.

Conditions:
Deficiency of UDPglucose-hexose-1-phosphate uridylyltransferase. Also called: GALACTOSE-1-PHOSPHATE URIDYLYLTRANSFERASE DEFICIENCY; GALT deficiency; Galactosemia, classic; GALACTOSEMIA I; Transferase Deficiency Galactosemia. Identifiers: Orphanet 352, Orphanet 79239, MedGen C0268151, MONDO:0009258, OMIM 230400.

Submissions (2):

Labcorp Genetics (formerly Invitae), Labcorp
Classification: Likely pathogenic for Deficiency of UDPglucose-hexose-1-phosphate uridylyltransferase. Last evaluated: 2023-03-10. Review status: criteria provided, single submitter. Criteria: Invitae Variant Classification Sherloc (09022015). Collection method: clinical testing. Allele origin: germline.
Comment: ClinVar contains an entry for this variant (Variation ID: 280971). Advanced modeling of protein sequence and biophysical properties (such as structural, functional, and spatial information, amino acid conservation, physicochemical variation, residue mobility, and thermodynamic stability) performed at Invitae indicates that this missense variant is expected to disrupt GALT protein function. In summary, the currently available evidence indicates that the variant is pathogenic, but additional data are needed to prove that conclusively. Therefore, this variant has been classified as Likely Pathogenic. This missense change has been observed in individual(s) with clinical features of galactosemia (Invitae). This sequence change replaces proline, which is neutral and non-polar, with leucine, which is neutral and non-polar, at codon 196 of the GALT protein (p.Pro196Leu). This variant is not present in population databases (gnomAD no frequency).

Eurofins Ntd Llc (ga)
Classification: Uncertain significance. Last evaluated: 2015-09-25. Review status: criteria provided, single submitter. Criteria: EGL Classification Definitions 2015. Collection method: clinical testing. Allele origin: germline. Observed: 1 variant allele, 1 heterozygote.

NM_000155.4(GALT):c.587C>T (p.Pro196Leu)

Gene: GALT (galactose-1-phosphate uridylyltransferase; plus strand). Cytogenetic location: 9p13.3.
Variant type: single nucleotide variant.
Coding change: c.587C>T on transcript NM_000155.4 (MANE Select); coding-DNA position 587, C replaced by T.
Protein change: p.Pro196Leu; replaces proline 196 with leucine.
Molecular consequence: missense variant.
Genome position (GRCh38, 1-based): chr9:34,648,356, C>T. VCF-style: chr9-34648356-C-T. GRCh37 (hg19) VCF-style: chr9-34648353-C-T.
Other names: c.260C>T, p.Pro87Leu (NM_001258332.2); short protein forms P196L, P87L.
Identifiers: ClinVar variation 280971 (VCV000280971.14), dbSNP rs886042066, ClinGen allele CA10603764.